The following is an entry in ClinVar:

NM_001370466.1(NOD2):c.2605C>T (p.Arg869Ter)

Gene: NOD2 (nucleotide binding oligomerization domain containing 2; plus strand). Cytogenetic location: 16q12.1.
Variant type: single nucleotide variant.
Coding change: c.2605C>T on transcript NM_001370466.1 (MANE Select); coding-DNA position 2605, C replaced by T.
Protein change: p.Arg869Ter; replaces arginine 869 with a stop codon.
Molecular consequence: nonsense. On other transcripts: non-coding transcript variant (1).
Genome position (GRCh38, 1-based): chr16:50,719,980, C>T. VCF-style: chr16-50719980-C-T. GRCh37 (hg19) VCF-style: chr16-50753891-C-T.
Other names: c.2605C>T, p.Arg869Ter (NM_001293557.2); c.2686C>T, p.Arg896Ter (NM_022162.3); short protein forms R896*, R869*.
Identifiers: ClinVar variation 938415 (VCV000938415.9), dbSNP rs769101191, ClinGen allele CA8051923.
Genomic context (GRCh38, chr16:50,719,980, plus strand): 5'-TCCAGGCTGGGGAATAACTACATCACTGCCGCGGGAGCCCAAGTGCTGGCCGAGGGGCTC[C>T]GAGGCAACACCTCCTTGCAGTTCCTGGGGTAGGTTGGATTCCAGGAAGAGGGACCTGCAT-3'

ClinVar aggregate classification (germline): Uncertain significance (1 of 4 stars; one submission).

Conditions:
Blau syndrome (BLAUS). Also called: ARTHROCUTANEOUVEAL GRANULOMATOSIS; GRANULOMATOSIS, FAMILIAL JUVENILE SYSTEMIC; GRANULOMATOSIS, FAMILIAL, BLAU TYPE; GRANULOMATOUS INFLAMMATORY ARTHRITIS, DERMATITIS, AND UVEITIS, FAMILIAL; JABS SYNDROME. Identifiers: Orphanet 90340, MedGen C5201146, MONDO:0008523, OMIM 186580.
Regional enteritis. Also called: Enteritis, Granulomatous. Identifiers: MedGen C0678202, MeSH D003424.

Allele frequency attached by ClinVar (database versions not stated): ExAC 0.00001; gnomAD 0.00001; gnomAD exomes 0.00001 and 0.00002; TOPMed 0.00003.

Submission:

Labcorp Genetics (formerly Invitae), Labcorp
Classification: Uncertain significance for Regional enteritis; Blau syndrome. Last evaluated: 2024-10-15. Review status: criteria provided, single submitter. Criteria: Invitae Variant Classification Sherloc (09022015). Collection method: clinical testing. Allele origin: germline.
Comment: This sequence change creates a premature translational stop signal (p.Arg896*) in the NOD2 gene. It is expected to result in an absent or disrupted protein product. However, the current clinical and genetic evidence is not sufficient to establish whether loss-of-function variants in NOD2 cause disease. This variant is present in population databases (rs769101191, gnomAD 0.009%). This premature translational stop signal has been observed in individual(s) with Crohn's disease (PMID: 16278823, 16804397). ClinVar contains an entry for this variant (Variation ID: 938415). In summary, the available evidence is currently insufficient to determine the role of this variant in disease. Therefore, it has been classified as a Variant of Uncertain Significance.

Literature cited by the submitters: PubMed 16278823; PubMed 16804397.